The following is an entry in ClinVar:

ClinVar aggregate classification (germline): Uncertain significance (1 of 4 stars; one submission).

Conditions:
Hereditary cancer-predisposing syndrome. Also called: Neoplastic Syndromes, Hereditary; Tumor predisposition; Hereditary neoplastic syndrome; Hereditary Cancer Syndrome. Identifiers: Orphanet 140162, MedGen C0027672, MeSH D009386, MONDO:0015356.
Cardiovascular phenotype. Identifiers: MedGen CN230736.

Submission:

Ambry Genetics
Classification: Uncertain significance for Cardiovascular phenotype; Hereditary cancer-predisposing syndrome. Last evaluated: 2024-02-13. Review status: criteria provided, single submitter. Criteria: Ambry Variant Classification Scheme 2023. Collection method: clinical testing. Allele origin: germline.
Comment: The c.374_376delTCT variant (also known as p.V125_Y126delinsD) is located in coding exon 4 of the LZTR1 gene. This variant results from an in-frame TCT deletion at nucleotide positions 374 to 376. This results in an in-frame deletion of 2 amino acids (VY) and the insertion a single amino acid (D) at codons 125 to 126. These amino acid positions are well conserved in available vertebrate species. In addition, this alteration is predicted to be deleterious by in silico analysis (Choi Y et al. PLoS ONE. 2012; 7(10):e46688). Based on the available evidence, the clinical significance of this alteration remains unclear.

NM_006767.4(LZTR1):c.374_376del (p.Val125_Tyr126delinsAsp)

Gene: LZTR1 (leucine zipper like post translational regulator 1; plus strand). Cytogenetic location: 22q11.21.
Variant type: Deletion.
Coding change: c.374_376del on transcript NM_006767.4 (MANE Select); coding-DNA positions 374 to 376, 3 bases deleted (TCT; older notation c.374_376delTCT).
Protein change: p.Val125_Tyr126delinsAsp.
Molecular consequence: inframe indel.
Genome position (GRCh38, 1-based): chr22:20,987,557-20,987,559, TCT deleted. VCF-style (leftmost placement, unchanged base first): chr22-20987556-GTCT-G. GRCh37 (hg19) VCF-style: chr22-21341845-GTCT-G.
Identifiers: ClinVar variation 3238276 (VCV003238276.1), dbSNP rs2518612538.
Genomic context (GRCh38, chr22:20,987,556, plus strand): 5'-CACCCCAGGGCCTTTACCACTGGGACCCCACCGGCCCCCCGTTACCACCACTCGGCCGTC[GTCT>G]ATGGGAGCAGCATGTTTGTCTTTGGTAAGCAGCCTCTTGCCTCCCAGGGGCTGTGTCGCC-3'